The following is an entry in ClinVar:

ClinVar aggregate classification (germline): Likely pathogenic (1 of 4 stars; one submission).

Conditions:
Fragile X syndrome. Also called: Fragile X syndrome, type A; MARKER X SYNDROME; MARTIN-BELL SYNDROME; MENTAL RETARDATION, X-LINKED, ASSOCIATED WITH marXq28; Fragile X Syndrome (FXS); X-LINKED MENTAL RETARDATION AND MACROORCHIDISM. Identifiers: Orphanet 449291, Orphanet 908, MedGen C0016667, MONDO:0010383, OMIM 300624. Disease mechanism: loss of function.

Submission:

Groupe Hospitalier Pitie Salpetriere, Uf Genomique Du Developpement, Assistance Publique Hopitaux de Paris Sorbonne Université
Classification: Likely pathogenic for Fragile X syndrome. Last evaluated: 2023-09-01. Review status: criteria provided, single submitter. Criteria: ACMG Guidelines, 2015. Collection method: clinical testing. Allele origin: germline. Affected: yes.
Comment: This variant is functional studies show a damaging effect on the gene or gene product (PS3), absent or extremely rare in population databases (PM2_supp) and multiple lines of computational evidence support a deleterious effect on the gene or gene product (PP3)

NM_002024.6(FMR1):c.1276-1202G>A

Gene: FMR1 (fragile X messenger ribonucleoprotein 1; plus strand). Cytogenetic location: Xq27.3.
Variant type: single nucleotide variant.
Coding change: c.1276-1202G>A on transcript NM_002024.6 (MANE Select); 1202 bases into the intron before coding-DNA position 1276, G replaced by A.
Molecular consequence: intron variant.
Genome position (GRCh38, 1-based): chrX:147,941,929, G>A. VCF-style: chrX-147941929-G-A. GRCh37 (hg19) VCF-style: chrX-147023448-G-A.
Other names: c.1275+1267G>A (NM_001185075.2); c.1213-1202G>A (NM_001185076.2, NM_001185082.2); c.1212+1267G>A (NM_001185081.2).
Identifiers: ClinVar variation 4813354 (VCV004813354.1).
Genomic context (GRCh38, chrX:147,941,929, plus strand): 5'-GCCATTCTTTCCATCACCAGAACTTCCCTCGTTTGGGCCTGGCATCTCTCACCAAAAGGT[G>A]ACTGCTTTGCCCCAGTGGGATAACCTGGACTACTCTTCTGTTTTGCAAGATATTCCTATT-3'